The following is an entry in ClinVar:

ClinVar aggregate classification (germline): Uncertain significance (1 of 4 stars; one submission).

Conditions:
Immunodeficiency. Identifiers: MedGen C0021051, MONDO:0021094, HP:0002721.

gnomAD v4.1: 1 of 1,614,106 alleles (0.000062%); highest among the groups gnomAD compares: South Asian, 0.0011%; no homozygotes.

Submission:

Labcorp Genetics (formerly Invitae), Labcorp
Classification: Uncertain significance for Immunodeficiency. Last evaluated: 2024-06-16. Review status: criteria provided, single submitter. Criteria: Invitae Variant Classification Sherloc (09022015). Collection method: clinical testing. Allele origin: germline.
Comment: This sequence change replaces threonine, which is neutral and polar, with isoleucine, which is neutral and non-polar, at codon 1273 of the NFAT5 protein (p.Thr1273Ile). This variant is not present in population databases (gnomAD no frequency). This variant has not been reported in the literature in individuals affected with NFAT5-related conditions. An algorithm developed to predict the effect of missense changes on protein structure and function (PolyPhen-2) suggests that this variant is likely to be tolerated. In summary, the available evidence is currently insufficient to determine the role of this variant in disease. Therefore, it has been classified as a Variant of Uncertain Significance.

NM_138713.4(NFAT5):c.4100C>T (p.Thr1367Ile)

Gene: NFAT5 (nuclear factor of activated T cells 5; plus strand). Cytogenetic location: 16q22.1.
Variant type: single nucleotide variant.
Coding change: c.4100C>T on transcript NM_138713.4 (MANE Select); coding-DNA position 4100, C replaced by T.
Protein change: p.Thr1367Ile; replaces threonine 1367 with isoleucine.
Molecular consequence: missense variant.
Genome position (GRCh38, 1-based): chr16:69,693,925, C>T. VCF-style: chr16-69693925-C-T. GRCh37 (hg19) VCF-style: chr16-69727828-C-T.
Other names: c.3818C>T, p.Thr1273Ile (NM_138714.4, NM_173214.3, NM_173215.3); c.4097C>T, p.Thr1366Ile (NM_001113178.3); c.3425C>T, p.Thr1142Ile (NM_001367709.1); c.4046C>T, p.Thr1349Ile (NM_006599.4); short protein forms T1349I, T1366I, T1273I, T1367I, T1142I.
Identifiers: ClinVar variation 3690661 (VCV003690661.2).